The following is an entry in ClinVar:

ClinVar aggregate classification (germline): Uncertain significance (1 of 4 stars; one submission).

Submission:

Labcorp Genetics (formerly Invitae), Labcorp
Classification: Uncertain significance. Last evaluated: 2022-08-30. Review status: criteria provided, single submitter. Criteria: Invitae Variant Classification Sherloc (09022015). Collection method: clinical testing. Allele origin: germline.
Comment: In summary, the available evidence is currently insufficient to determine the role of this variant in disease. Therefore, it has been classified as a Variant of Uncertain Significance. Algorithms developed to predict the effect of missense changes on protein structure and function output the following: SIFT: "Tolerated"; PolyPhen-2: "Benign"; Align-GVGD: "Class C0". The arginine amino acid residue is found in multiple mammalian species, which suggests that this missense change does not adversely affect protein function. This variant has not been reported in the literature in individuals affected with GUCY2C-related conditions. This variant is present in population databases (no rsID available, gnomAD 0.003%). This sequence change replaces glutamine, which is neutral and polar, with arginine, which is basic and polar, at codon 654 of the GUCY2C protein (p.Gln654Arg).

NM_004963.4(GUCY2C):c.1961A>G (p.Gln654Arg)

Gene: GUCY2C (guanylate cyclase 2C; minus strand). Cytogenetic location: 12p12.3.
Variant type: single nucleotide variant.
Coding change: c.1961A>G on transcript NM_004963.4 (MANE Select); coding-DNA position 1961, A replaced by G.
Protein change: p.Gln654Arg; replaces glutamine 654 with arginine.
Molecular consequence: missense variant.
Genome position (GRCh38, 1-based): chr12:14,641,189, T>C on the plus strand (A>G on the coding strand, the complement: GUCY2C is on the minus strand). VCF-style: chr12-14641189-T-C. GRCh37 (hg19) VCF-style: chr12-14794123-T-C.
Other names: short protein forms Q654R.
Identifiers: ClinVar variation 1717963 (VCV001717963.5), dbSNP rs1375418658, ClinGen allele CA383984158.